The following is an entry in ClinVar:

NM_002878.4(RAD51D):c.807C>A (p.Ser269Arg)

Genes: RAD51D (RAD51 paralog D; minus strand), RAD51L3-RFFL (RAD51L3-RFFL readthrough; minus strand). Cytogenetic location: 17q12.
Variant type: single nucleotide variant.
Coding change: c.807C>A on transcript NM_002878.4 (MANE Select); coding-DNA position 807, C replaced by A.
Protein change: p.Ser269Arg; replaces serine 269 with arginine.
Molecular consequence: missense variant. On other transcripts: non-coding transcript variant (3).
Genome position (GRCh38, 1-based): chr17:35,101,297, G>T on the plus strand (C>A on the coding strand, the complement: RAD51D is on the minus strand). VCF-style: chr17-35101297-G-T. GRCh37 (hg19) VCF-style: chr17-33428316-G-T.
Other names: c.867C>A, p.Ser289Arg (NM_001142571.2); c.471C>A, p.Ser157Arg (NM_133629.3); short protein forms S157R, S269R, S289R.
Identifiers: ClinVar variation 4057159 (VCV004057159.1).

ClinVar aggregate classification (germline): Uncertain significance (1 of 4 stars; one submission).

gnomAD v4.1: 1 of 1,614,154 alleles (0.000062%); highest among the groups gnomAD compares: Non-Finnish European, 0.000085%; no homozygotes.

Submission:

GeneDx
Classification: Uncertain significance. Last evaluated: 2025-01-12. Review status: criteria provided, single submitter. Criteria: GeneDx Variant Classification Process June 2021. Collection method: clinical testing. Allele origin: germline. Affected: yes.
Comment: Not observed at significant frequency in large population cohorts (gnomAD); In silico analysis supports that this missense variant has a deleterious effect on protein structure/function; Has not been previously published as pathogenic or benign to our knowledge; This variant is associated with the following publications: (PMID: 21111057, 14704354, 19327148)